The following continues an entry in ClinVar:

NM_058216.3(RAD51C):c.706-2A>G

Gene: RAD51C. ClinVar aggregate classification (germline): Pathogenic/Likely pathogenic. Pathogenic (19); Likely pathogenic (6).

Submissions 14 to 30 of 30:

Department of Genomics, ADN Uruguay
Classification: Pathogenic for Hereditary breast ovarian cancer syndrome. Last evaluated: 2023-06-07. Review status: criteria provided, single submitter. Criteria: Assertion Criteria Germline. Collection method: clinical testing. Allele origin: germline. Inheritance: Autosomal dominant inheritance. Affected: yes. Observed: 1 variant allele.
Comment: The c.706-2A>G variant in RAD51C affects a canonical splice acceptor site in intron 4 and is predicted to disrupt normal mRNA splicing (PVS1). It is absent from population databases (PM2) and has been reported as pathogenic in hereditary breast and ovarian cancer (PMID:24549055). Classified as Pathogenic following ACMG/AMP guidelines (PVS1, PM2, PS3_supporting).

Myriad Genetics, Inc.
Classification: Likely pathogenic for Breast-ovarian cancer, familial, susceptibility to, 3. Last evaluated: 2023-04-06. Review status: criteria provided, single submitter. Criteria: Myriad Autosomal Dominant, Autosomal Recessive and X-Linked Classification Criteria (2023). Collection method: clinical testing. Allele origin: unknown.
Comment: This variant is considered likely pathogenic. This variant occurs within a consensus splice junction and is predicted to result in abnormal mRNA splicing of either an out-of-frame exon or an in-frame exon necessary for protein stability and/or normal function.

Centre for Mendelian Genomics, University Medical Centre Ljubljana
Classification: Pathogenic for Breast-ovarian cancer, familial, susceptibility to, 3. Last evaluated: 2022-12-09. Review status: criteria provided, single submitter. Criteria: ACMG Guidelines, 2015. Collection method: research. Allele origin: germline. Affected: no.
Comment: PVS1, PS3, PS4_STR, PP1

Women's Health and Genetics/Laboratory Corporation of America, LabCorp
Classification: Pathogenic for Hereditary breast ovarian cancer syndrome. Last evaluated: 2022-05-08. Review status: criteria provided, single submitter. Criteria: LabCorp Variant Classification Summary - May 2015. Collection method: clinical testing. Allele origin: germline.
Comment: Variant summary: RAD51C c.706-2A>G is located in a canonical splice-site and is predicted to affect mRNA splicing resulting in a significantly altered protein due to either exon skipping, shortening, or inclusion of intronic material. Several computational tools predict a significant impact on normal splicing: Five predict the variant abolishes the canonical 3' splice acceptor site. Experimental evidence demonstrated that this variant affects mRNA splicing leading to the loss of 44 amino acids in a functional domain of the protein by an in-frame exon 5 skipping (Golmard_2013). The variant allele was found at a frequency of 2e-05 in 251368 control chromosomes. c.706-2A>G has been reported in the literature in multiple individuals affected with Breast and Ovarian Cancer (example, Couch_2015, Golmard_2013). These data indicate that the variant is very likely to be associated with disease. Multiple clinical diagnostic laboratories have submitted clinical-significance assessments for this variant to ClinVar after 2014 with complete concordance as pathogenic/likely pathogenic. Based on the evidence outlined above, the variant was classified as pathogenic.

Sema4
Classification: Pathogenic for Hereditary cancer-predisposing syndrome. Last evaluated: 2022-01-25. Review status: criteria provided, single submitter. Criteria: Sema4 Curation Guidelines. Collection method: curation. Allele origin: germline.
Comment: The RAD51C c.706-2A>G variant has been reported in several individuals with breast and/or ovarian cancer (PMID: 22006311, 24139550, 25452441). RNA studies have shown that this variant alters the gene splicing, resulting in an in-frame deletion of 44 amino acid in a functional domain of the protein (PMID: 28905878, 22006311, 24139550). This variant was observed in 6/129082 chromosomes in the Non-Finnish European population, according to the Genome Aggregation Database (PMID: 32461654). The variant has been reported in ClinVar (Variation ID 128209). Based on the current evidence available, this variant is interpreted as pathogenic.

Baylor Genetics
Classification: Pathogenic for Fanconi anemia complementation group O. Last evaluated: 2021-07-22. Review status: criteria provided, single submitter. Criteria: ACMG Guidelines, 2015. Collection method: clinical testing. Allele origin: maternal. Affected: yes. Study: CSER-TexasKidsCanSeq.
Comment: This variant was determined to be pathogenic according to ACMG Guidelines, 2015 [PMID:25741868].

Institute of Medical Genetics and Applied Genomics, University Hospital Tübingen
Classification: Likely pathogenic. Last evaluated: 2020-10-23. Review status: criteria provided, single submitter. Criteria: ACMG Guidelines, 2015. Collection method: clinical testing. Allele origin: germline. Inheritance: Unknown mechanism. Affected: yes.

Cambridge Genomics Laboratory, East Genomic Laboratory Hub, NHS Genomic Medicine Service
Classification: Likely pathogenic for Long QT syndrome. Last evaluated: 2020-05-14. Review status: criteria provided, single submitter. Criteria: ACGS Best Practice Guidelines for Variant Classification in Rare Disease 2020. Collection method: clinical testing. Allele origin: germline. Affected: yes. Observed: 1 variant allele.

Revvity Omics, Revvity
Classification: Pathogenic for Fanconi anemia complementation group O. Last evaluated: 2019-06-13. Review status: criteria provided, single submitter. Criteria: ACMG Guidelines, 2015. Collection method: clinical testing. Allele origin: germline.

Institute of Human Genetics, University of Leipzig Medical Center
Classification: Pathogenic for Breast-ovarian cancer, familial, susceptibility to, 3. Last evaluated: 2019-01-15. Review status: criteria provided, single submitter. Criteria: ACMG Guidelines, 2015. Collection method: clinical testing. Allele origin: germline. Affected: yes.

Fulgent Genetics
Classification: Pathogenic for Fanconi anemia complementation group O; Breast-ovarian cancer, familial, susceptibility to, 3. Last evaluated: 2018-10-31. Review status: criteria provided, single submitter. Criteria: ACMG Guidelines, 2015. Collection method: clinical testing. Allele origin: unknown.

Laboratoire de Biologie et Génétique du Cancer, Centre François Baclesse
Classification: Pathogenic for 613399. Review status: criteria provided, single submitter. Criteria: Submitter's publication. Collection method: clinical testing. Allele origin: germline. Inheritance: Autosomal dominant inheritance. Affected: yes.

German Consortium for Hereditary Breast and Ovarian Cancer, University Hospital Cologne
Classification: Likely pathogenic for Ovarian neoplasm. Last evaluated: 2018-12-01. Review status: no assertion criteria provided. Collection method: research. Allele origin: germline. Affected: yes. Not counted in ClinVar's aggregate classification.

Counsyl
Classification: Pathogenic for Fanconi anemia complementation group O; Breast-ovarian cancer, familial, susceptibility to, 3. Last evaluated: 2017-01-12. Review status: no assertion criteria provided. Collection method: clinical testing. Allele origin: unknown. Not counted in ClinVar's aggregate classification.

Division of Human Genetics, Children's Hospital of Philadelphia
Classification: Pathogenic for Fanconi anemia complementation group O. Last evaluated: 2016-08-16. Review status: no assertion criteria provided. Collection method: research. Allele origin: maternal. Study: CSER-PediSeq. Not counted in ClinVar's aggregate classification.

Leiden Open Variation Database
Classification: Likely pathogenic. Last evaluated: 2014-11-02. Review status: no assertion criteria provided. Collection method: curation. Allele origin: germline. Affected: yes. Not counted in ClinVar's aggregate classification.
Comment: Curator: Arleen D. Auerbach. Submitter to LOVD: Johan den Dunnen.

Department of Pathology and Laboratory Medicine, Sinai Health System
Classification: Pathogenic for Breast-ovarian cancer, familial, susceptibility to, 3. Review status: no assertion criteria provided. Collection method: clinical testing. Allele origin: unknown. Affected: yes. Study: The Canadian Open Genetics Repository (COGR). Not counted in ClinVar's aggregate classification.
Comment: The RAD51C c.706-2A>G variant was identified in 12 of 15014 proband chromosomes (frequency: 0.0008) from individuals or families with breast and ovarian cancer (Castera 2014, Couch 2015, Golmard 2013, Loveday 2012, Song 2015). The variant was also identified in the following databases: dbSNP (ID: rs587780259) as "With Pathogenic allele", ClinVar (5x pathogenic, 2x likely pathogenic), Clinvitae, and LOVD 3.0 (1x). The variant was not identified in Cosmic or the MutDB database. The variant was identified in control databases in 6 of 277092 chromosomes at a frequency of 0.00002 (Genome Aggregation Database Feb 27, 2017). It was observed in the European population in 6 of 126600 chromosomes (freq: 0.00005), but not in the African, Other, Latino, Ashkenazi Jewish, East Asian, Finnish, or South Asian populations. Functional studies utilizing mRNA from lymphoblastoid cell lines shows this variant affects splicing, resulting in in-frame skipping of exon 5 (Golmard 2013, Davy 2017). The c.706-2A>G variant is predicted to cause abnormal splicing because the nucleotide substitution occurs in the invariant region of the splice consensus sequence. In addition, 5 of 5 in silico or computational prediction software programs (SpliceSiteFinder, MaxEntScan, NNSPLICE, GeneSplicer, HumanSpliceFinder) predict a greater than 10% difference in splicing. In summary, based on the above information this variant meets our laboratoryâ€šÃ„Ã´s criteria to be classified as pathogenic.

Literature cited by the submitters: PubMed 22006311 (cited by 4 submitters); PubMed 22538716 (cited by 3 submitters); PubMed 24549055 (cited by 3 submitters); PubMed 25452441 (cited by 5 submitters); PubMed 26261251 (cited by 4 submitters); PubMed 26681312 (cited by 3 submitters); PubMed 29255180 (cited by 4 submitters); PubMed 24139550 (cited by 6 submitters); PubMed 20400963 (cited by Labcorp Genetics (formerly Invitae), Labcorp); PubMed 22167183 (cited by Labcorp Genetics (formerly Invitae), Labcorp); PubMed 26354865 (cited by Labcorp Genetics (formerly Invitae), Labcorp); PubMed 20400964 (cited by Ambry Genetics); PubMed 21990120 (cited by Ambry Genetics); PubMed 24800917 (cited by Ambry Genetics); PubMed 28123851 (cited by Ambry Genetics); PubMed 28152038 (cited by Ambry Genetics); PubMed 28905878 (cited by 4 submitters); PubMed 29053726 (cited by Ambry Genetics and Color Diagnostics, LLC DBA Color Health); PubMed 33333735 (cited by Center for Genomic Medicine, Rigshospitalet, Copenhagen University Hospital and Color Diagnostics, LLC DBA Color Health); PubMed 24315737 (cited by Division of Human Genetics, Children's Hospital of Philadelphia).